The following is an entry in ClinVar:

NM_001166108.2(PALLD):c.1271C>G (p.Pro424Arg)

Gene: PALLD (palladin, cytoskeletal associated protein; plus strand). Cytogenetic location: 4q32.3.
Variant type: single nucleotide variant.
Coding change: c.1271C>G on transcript NM_001166108.2 (MANE Select); coding-DNA position 1271, C replaced by G.
Protein change: p.Pro424Arg; replaces proline 424 with arginine.
Molecular consequence: missense variant.
Genome position (GRCh38, 1-based): chr4:168,685,495, C>G. VCF-style: chr4-168685495-C-G. GRCh37 (hg19) VCF-style: chr4-169606646-C-G.
Other names: c.125C>G, p.Pro42Arg (NM_001166109.2); c.1271C>G, p.Pro424Arg (NM_016081.4); short protein forms P42R, P424R.
Identifiers: ClinVar variation 2448455 (VCV002448455.2), dbSNP rs2531609828, ClinGen allele CA358794403.
Genomic context (GRCh38, chr4:168,685,495, plus strand): 5'-TAGGCAATTTATATATTTAGAATTTGATCCATATGTCTCTGCTTTTGCAGGTTCACAGTC[C>G]AACTTCATATCTCTGCCGACCTGATGGAACCACTACTGCCTACTTTCCTCCTGTTTTTAC-3'
Protein context (NP_001159580.1, residues 414-434): LSVPVQQVHS[Pro424Arg]TSYLCRPDGT

ClinVar aggregate classification (germline): Uncertain significance (1 of 4 stars; one submission).

Submission:

Ambry Genetics
Classification: Uncertain significance. Last evaluated: 2022-11-25. Review status: criteria provided, single submitter. Criteria: Ambry Variant Classification Scheme 2023. Collection method: clinical testing. Allele origin: germline.
Comment: The p.P424R variant (also known as c.1271C>G), located in coding exon 5 of the PALLD gene, results from a C to G substitution at nucleotide position 1271. The proline at codon 424 is replaced by arginine, an amino acid with dissimilar properties. This amino acid position is conserved. In addition, the in silico prediction for this alteration is inconclusive. Since supporting evidence is limited at this time, the clinical significance of this alteration remains unclear.